The following is an entry in ClinVar:

NM_002474.3(MYH11):c.1879G>A (p.Gly627Ser)

Gene: MYH11 (myosin heavy chain 11; minus strand). Cytogenetic location: 16p13.11.
Variant type: single nucleotide variant.
Coding change: c.1879G>A on transcript NM_002474.3 (MANE Select); coding-DNA position 1879, G replaced by A.
Protein change: p.Gly627Ser; replaces glycine 627 with serine.
Molecular consequence: missense variant.
Genome position (GRCh38, 1-based): chr16:15,750,317, C>T on the plus strand (G>A on the coding strand, the complement: MYH11 is on the minus strand). VCF-style: chr16-15750317-C-T. GRCh37 (hg19) VCF-style: chr16-15844174-C-T.
Other names: c.1900G>A, p.Gly634Ser (NM_001040113.2, NM_001040114.2); c.1879G>A, p.Gly627Ser (NM_022844.3); short protein forms G634S, G627S.
Identifiers: ClinVar variation 318169 (VCV000318169.24), dbSNP rs563865467, ClinGen allele CA7922474.

ClinVar aggregate classification (germline): Conflicting classifications of pathogenicity. Review status: criteria provided, conflicting classifications (1 of 4 stars). 8 submissions from 8 submitters: Uncertain significance (3); Likely benign (3). 2 of the submissions do not count toward it. Last evaluated 2026-01-19.

Conditions:
Familial thoracic aortic aneurysm and aortic dissection (TAAD). Also called: Thoracic aortic aneurysms and dissections. Identifiers: Orphanet 91387, MedGen C4707243, MONDO:0019625.
Aortic aneurysm, familial thoracic 4 (AAT4). Also called: AORTIC ANEURYSM/AORTIC DISSECTION AND PATENT DUCTUS ARTERIOSUS. Identifiers: MedGen C1851504, MONDO:0007568, OMIM 132900.

Allele frequency attached by ClinVar (database versions not stated): gnomAD 0.00002 and 0.00007; gnomAD exomes 0.00004 and 0.00019; TOPMed 0.00005; ExAC 0.00032; 1000 Genomes Project 30x 0.00062; 1000 Genomes Project 0.00080.
gnomAD v4.1: 83 of 1,606,146 alleles (0.0052%); highest among the groups gnomAD compares: East Asian, 0.074%; no homozygotes.

Submissions (8):

Labcorp Genetics (formerly Invitae), Labcorp
Classification: Likely benign for Aortic aneurysm, familial thoracic 4. Last evaluated: 2026-01-19. Review status: criteria provided, single submitter. Criteria: Invitae Variant Classification Sherloc (09022015). Collection method: clinical testing. Allele origin: germline.

GeneDx
Classification: Uncertain significance. Last evaluated: 2022-01-04. Review status: criteria provided, single submitter. Criteria: GeneDx Variant Classification Process June 2021. Collection method: clinical testing. Allele origin: germline. Affected: yes.
Comment: Has not been previously published as pathogenic or benign to our knowledge; In silico analysis supports that this missense variant has a deleterious effect on protein structure/function; Reported in ClinVar (ClinVar Variant ID#318169)

Women's Health and Genetics/Laboratory Corporation of America, LabCorp
Classification: Likely benign. Last evaluated: 2021-11-29. Review status: criteria provided, single submitter. Criteria: LabCorp Variant Classification Summary - May 2015. Collection method: clinical testing. Allele origin: germline.

Ambry Genetics
Classification: Uncertain significance for Familial thoracic aortic aneurysm and aortic dissection. Last evaluated: 2019-11-01. Review status: criteria provided, single submitter. Criteria: Ambry Variant Classification Scheme 2023. Collection method: clinical testing. Allele origin: germline.
Comment: The p.G627S variant (also known as c.1879G>A), located in coding exon 15 of the MYH11 gene, results from a G to A substitution at nucleotide position 1879. The glycine at codon 627 is replaced by serine, an amino acid with similar properties. This amino acid position is highly conserved in available vertebrate species. In addition, this alteration is predicted to be deleterious by in silico analysis. Since supporting evidence is limited at this time, the clinical significance of this alteration remains unclear.

Color Diagnostics, LLC DBA Color Health
Classification: Likely benign for Familial thoracic aortic aneurysm and aortic dissection. Last evaluated: 2018-05-11. Review status: criteria provided, single submitter. Criteria: ACMG Guidelines, 2015. Collection method: clinical testing. Allele origin: germline.

Illumina Laboratory Services, Illumina
Classification: Uncertain significance for Aortic aneurysm, familial thoracic 4. Last evaluated: 2018-01-13. Review status: criteria provided, single submitter. Criteria: ICSL Variant Classification Criteria 13 December 2019. Collection method: clinical testing. Allele origin: germline.

Clinical Genetics DNA and cytogenetics Diagnostics Lab, Erasmus MC, Erasmus Medical Center
Classification: Uncertain significance. Review status: no assertion criteria provided. Collection method: clinical testing. Allele origin: germline. Affected: yes. Study: VKGL Data-share Consensus. Not counted in ClinVar's aggregate classification.

Laboratory of Diagnostic Genome Analysis, Leiden University Medical Center (LUMC)
Classification: Uncertain significance. Review status: no assertion criteria provided. Collection method: clinical testing. Allele origin: germline. Affected: yes. Study: VKGL Data-share Consensus. Not counted in ClinVar's aggregate classification.